The following is an entry in ClinVar:

NM_000088.4(COL1A1):c.164C>A (p.Pro55His)

Gene: COL1A1 (collagen type I alpha 1 chain; minus strand). Cytogenetic location: 17q21.33.
Variant type: single nucleotide variant.
Coding change: c.164C>A on transcript NM_000088.4 (MANE Select); coding-DNA position 164, C replaced by A.
Protein change: p.Pro55His; replaces proline 55 with histidine.
Molecular consequence: missense variant.
Genome position (GRCh38, 1-based): chr17:50,199,887, G>T on the plus strand (C>A on the coding strand, the complement: COL1A1 is on the minus strand). VCF-style: chr17-50199887-G-T. GRCh37 (hg19) VCF-style: chr17-48277248-G-T.
Other names: short protein forms P55H.
Identifiers: ClinVar variation 959819 (VCV000959819.11), dbSNP rs771489142, ClinGen allele CA8645819.

ClinVar aggregate classification (germline): Uncertain significance. Review status: criteria provided, multiple submitters, no conflicts (2 of 4 stars). 2 submissions from 2 submitters: Uncertain significance (2). Last evaluated 2024-10-11.

Conditions:
Osteogenesis imperfecta type I (OI1). Also called: Lobstein's Disease; OI, TYPE I; OSTEOGENESIS IMPERFECTA TARDA; OSTEOGENESIS IMPERFECTA WITH BLUE SCLERAE; Lobstein disease; Osteogenesis imperfecta type 1. Identifiers: Orphanet 216796, Orphanet 666, MedGen C0023931, MONDO:0008146, OMIM 166200. Disease mechanism: loss of function.

Allele frequency attached by ClinVar (database versions not stated): gnomAD exomes below 0.00001 and 0.00001; ExAC 0.00001; gnomAD 0.00001; TOPMed 0.00001.
gnomAD v4.1: 8 of 1,614,110 alleles (0.0005%); highest among the groups gnomAD compares: Non-Finnish European, 0.00068%; no homozygotes.

Submissions (2):

GeneDx
Classification: Uncertain significance. Last evaluated: 2024-10-11. Review status: criteria provided, single submitter. Criteria: GeneDx Variant Classification Process June 2021. Collection method: clinical testing. Allele origin: germline. Affected: yes.
Comment: Not observed at significant frequency in large population cohorts (gnomAD); In silico analysis supports that this missense variant has a deleterious effect on protein structure/function; Has not been previously published as pathogenic or benign to our knowledge; Not located in the triple helical region, where the majority of pathogenic missense variants occur (HGMD)

Labcorp Genetics (formerly Invitae), Labcorp
Classification: Uncertain significance for Osteogenesis imperfecta type I. Last evaluated: 2023-11-08. Review status: criteria provided, single submitter. Criteria: Invitae Variant Classification Sherloc (09022015). Collection method: clinical testing. Allele origin: germline.
Comment: This sequence change replaces proline, which is neutral and non-polar, with histidine, which is basic and polar, at codon 55 of the COL1A1 protein (p.Pro55His). This variant is present in population databases (rs771489142, gnomAD 0.002%). This variant has not been reported in the literature in individuals affected with COL1A1-related conditions. ClinVar contains an entry for this variant (Variation ID: 959819). Advanced modeling of protein sequence and biophysical properties (such as structural, functional, and spatial information, amino acid conservation, physicochemical variation, residue mobility, and thermodynamic stability) performed at Invitae indicates that this missense variant is expected to disrupt COL1A1 protein function with a positive predictive value of 80%. In summary, the available evidence is currently insufficient to determine the role of this variant in disease. Therefore, it has been classified as a Variant of Uncertain Significance.